The following is an entry in ClinVar:

NM_000069.3(CACNA1S):c.1151-3C>T

Gene: CACNA1S (calcium voltage-gated channel subunit alpha1 S; minus strand). Cytogenetic location: 1q32.1.
Variant type: single nucleotide variant.
Coding change: c.1151-3C>T on transcript NM_000069.3 (MANE Select); 3 bases into the intron before coding-DNA position 1151, C replaced by T.
Molecular consequence: intron variant.
Genome position (GRCh38, 1-based): chr1:201,085,034, G>A on the plus strand (C>T on the coding strand, the complement: CACNA1S is on the minus strand). VCF-style: chr1-201085034-G-A. GRCh37 (hg19) VCF-style: chr1-201054162-G-A.
Identifiers: ClinVar variation 1364952 (VCV001364952.6), dbSNP rs1661980696, ClinGen allele CA1011172629.

ClinVar aggregate classification (germline): Uncertain significance (1 of 4 stars; one submission).

Conditions:
Malignant hyperthermia, susceptibility to, 5 (MHS5). Also called: CACNA1S-Related Malignant Hyperthermia Susceptibility. Identifiers: Orphanet 423, MedGen C1866077, MONDO:0011163, OMIM 601887.
Hypokalemic periodic paralysis, type 1. Also called: HypoPP; Hypokalemic Periodic Paralysis Type 1 (AD). Identifiers: Orphanet 681, MedGen C3714580, MONDO:0042979, OMIM 170400.

Allele frequency attached by ClinVar (database versions not stated): gnomAD 0.00001.

Submission:

Labcorp Genetics (formerly Invitae), Labcorp
Classification: Uncertain significance for Hypokalemic periodic paralysis, type 1; Malignant hyperthermia, susceptibility to, 5. Last evaluated: 2021-10-12. Review status: criteria provided, single submitter. Criteria: Invitae Variant Classification Sherloc (09022015). Collection method: clinical testing. Allele origin: germline.
Comment: In summary, the available evidence is currently insufficient to determine the role of this variant in disease. Therefore, it has been classified as a Variant of Uncertain Significance. Variants that disrupt the consensus splice site are a relatively common cause of aberrant splicing (PMID: 17576681, 9536098). Algorithms developed to predict the effect of sequence changes on RNA splicing suggest that this variant is not likely to affect RNA splicing. This variant has not been reported in the literature in individuals affected with CACNA1S-related conditions. This variant is not present in population databases (ExAC no frequency). This sequence change falls in intron 8 of the CACNA1S gene. It does not directly change the encoded amino acid sequence of the CACNA1S protein. It affects a nucleotide within the consensus splice site.

Literature cited by the submitters: PubMed 17576681; PubMed 9536098.